The following is an entry in ClinVar:

NM_001276270.2(MBD4):c.273A>T (p.Glu91Asp)

Gene: MBD4 (methyl-CpG binding domain 4, DNA glycosylase; minus strand). Cytogenetic location: 3q21.3.
Variant type: single nucleotide variant.
Coding change: c.273A>T on transcript NM_001276270.2 (MANE Select); coding-DNA position 273, A replaced by T.
Protein change: p.Glu91Asp; replaces glutamic acid 91 with aspartic acid.
Molecular consequence: missense variant. On other transcripts: intron variant (1).
Genome position (GRCh38, 1-based): chr3:129,437,782, T>A on the plus strand (A>T on the coding strand, the complement: MBD4 is on the minus strand). VCF-style: chr3-129437782-T-A. GRCh37 (hg19) VCF-style: chr3-129156625-T-A.
Other names: c.273A>T, p.Glu91Asp (NM_001276271.2, NM_001276272.2, NM_003925.3); c.247+26A>T (NM_001276273.2); short protein forms E91D.
Identifiers: ClinVar variation 2708256 (VCV002708256.4), dbSNP rs2530727495, ClinGen allele CA354468421.
Genomic context (GRCh38, chr3:129,437,782, plus strand): 5'-GATAAAGTACACATCAAATCTTCCTGCTGTCTTCCCAAATAACCTTTGCTTCACAACTCT[T>A]TCCCATCCACATGGGACAGACTTACGGCATTCTGTTCCTGCAGTAGCACCAAACTGAGCA-3'
Protein context (NP_001263199.1, residues 81-101): ECRKSVPCGW[Glu91Asp]RVVKQRLFGK

ClinVar aggregate classification (germline): Uncertain significance. Review status: criteria provided, multiple submitters, no conflicts (2 of 4 stars). 2 submissions from 2 submitters: Uncertain significance (2). Last evaluated 2025-10-14.

Conditions:
Inborn genetic diseases. Identifiers: MedGen C0950123, MeSH D030342.

Submissions (2):

Ambry Genetics
Classification: Uncertain significance for Inborn genetic diseases. Last evaluated: 2025-10-14. Review status: criteria provided, single submitter. Criteria: Ambry Variant Classification Scheme 2023. Collection method: clinical testing. Allele origin: germline.
Comment: The p.E91D variant (also known as c.273A>T), located in coding exon 2 of the MBD4 gene, results from an A to T substitution at nucleotide position 273. The glutamic acid at codon 91 is replaced by aspartic acid, an amino acid with highly similar properties. This amino acid position is well conserved in available vertebrate species. In addition, the in silico prediction for this alteration is inconclusive. Based on the available evidence, the clinical significance of this variant remains unclear.

Labcorp Genetics (formerly Invitae), Labcorp
Classification: Uncertain significance. Last evaluated: 2024-03-10. Review status: criteria provided, single submitter. Criteria: Invitae Variant Classification Sherloc (09022015). Collection method: clinical testing. Allele origin: germline.
Comment: This sequence change replaces glutamic acid, which is acidic and polar, with aspartic acid, which is acidic and polar, at codon 91 of the MBD4 protein (p.Glu91Asp). This variant is not present in population databases (gnomAD no frequency). This variant has not been reported in the literature in individuals affected with MBD4-related conditions. An algorithm developed to predict the effect of missense changes on protein structure and function (PolyPhen-2) suggests that this variant is likely to be disruptive. In summary, the available evidence is currently insufficient to determine the role of this variant in disease. Therefore, it has been classified as a Variant of Uncertain Significance.